The following is an entry in ClinVar:

ClinVar aggregate classification (germline): Likely benign. Review status: criteria provided, single submitter (1 of 4 stars). 2 submissions from 2 submitters: Likely benign (1). 1 of the submissions does not count toward it. Last evaluated 2026-01-28.

Conditions:
Isovaleryl-CoA dehydrogenase deficiency (IVA). Also called: ISOVALERIC ACID CoA DEHYDROGENASE DEFICIENCY; Classic Isovaleric Acidemia; Isovaleric acidemia; IVD DEFICIENCY. Identifiers: Orphanet 33, MedGen C0268575, MONDO:0009475, OMIM 243500.
IVD-related disorder. Also called: IVD-related condition.

Allele frequency attached by ClinVar (database versions not stated): ESP Exome Variant Server 0.00008; 1000 Genomes Project 0.00020; 1000 Genomes Project 30x 0.00031; ExAC 0.00002; gnomAD exomes 0.00002 and 0.00003; TOPMed 0.00004.
gnomAD v4.1: 32 of 1,614,224 alleles (0.002%); highest among the groups gnomAD compares: African/African-American, 0.011%; no homozygotes.

Submissions (2):

Labcorp Genetics (formerly Invitae), Labcorp
Classification: Likely benign for Isovaleryl-CoA dehydrogenase deficiency. Last evaluated: 2026-01-28. Review status: criteria provided, single submitter. Criteria: Invitae Variant Classification Sherloc (09022015). Collection method: clinical testing. Allele origin: germline.

PreventionGenetics, part of Exact Sciences
Classification: Likely benign for IVD-related condition. Last evaluated: 2022-10-27. Review status: no assertion criteria provided. Collection method: clinical testing. Allele origin: germline. Not counted in ClinVar's aggregate classification.
Comment: This variant is classified as likely benign based on ACMG/AMP sequence variant interpretation guidelines (Richards et al. 2015 PMID: 25741868, with internal and published modifications).

NM_002225.5(IVD):c.1066-4G>A

Gene: IVD (isovaleryl-CoA dehydrogenase; plus strand). Cytogenetic location: 15q15.1.
Variant type: single nucleotide variant.
Coding change: c.1066-4G>A on transcript NM_002225.5 (MANE Select); 4 bases into the intron before coding-DNA position 1066, G replaced by A.
Molecular consequence: intron variant.
Genome position (GRCh38, 1-based): chr15:40,416,286, G>A. VCF-style: chr15-40416286-G-A. GRCh37 (hg19) VCF-style: chr15-40708485-G-A.
Other names: c.1153-4G>A (NM_001354600.3, NM_001354599.3); c.1066-4G>A (NM_001354598.3, NM_001354601.3); c.1018-4G>A (NM_001354597.3); c.976-4G>A (NM_001159508.3); c.1075-4G>A (NM_002225.3).
Identifiers: ClinVar variation 1670974 (VCV001670974.10), dbSNP rs374193700, ClinGen allele CA7480880.